The following is an entry in ClinVar:

ClinVar aggregate classification (germline): Pathogenic (1 of 4 stars; one submission).

Conditions:
Joubert syndrome. Also called: CEREBELLOPARENCHYMAL DISORDER IV; JOUBERT-BOLTSHAUSER SYNDROME; Familial aplasia of the vermis. Identifiers: Orphanet 475, MedGen C5979921, MONDO:0018772.
Meckel-Gruber syndrome. Also called: DYSENCEPHALIA SPLANCHNOCYSTICA; GRUBER SYNDROME; Dysencephalia splachnocystica. Identifiers: Orphanet 564, MedGen C0265215, MONDO:0018921.

Submission:

Labcorp Genetics (formerly Invitae), Labcorp
Classification: Pathogenic for Joubert syndrome; Meckel-Gruber syndrome. Last evaluated: 2025-01-11. Review status: criteria provided, single submitter. Criteria: Invitae Variant Classification Sherloc (09022015). Collection method: clinical testing. Allele origin: germline.
Comment: This sequence change creates a premature translational stop signal (p.Tyr331Thrfs*6) in the MKS1 gene. It is expected to result in an absent or disrupted protein product. Loss-of-function variants in MKS1 are known to be pathogenic (PMID: 19466712, 24886560, 26490104). This variant is not present in population databases (gnomAD no frequency). This variant has not been reported in the literature in individuals affected with MKS1-related conditions. For these reasons, this variant has been classified as Pathogenic.

Literature cited by the submitters: PubMed 19466712; PubMed 24886560; PubMed 26490104.

NM_017777.4(MKS1):c.990del (p.Tyr331fs)

Gene: MKS1 (MKS transition zone complex subunit 1; minus strand). Cytogenetic location: 17q22.
Variant type: Deletion.
Coding change: c.990del on transcript NM_017777.4 (MANE Select); coding-DNA position 990, one base deleted (C; older notation c.990delC).
Protein change: p.Tyr331fs; shifts the reading frame from tyrosine 331.
Molecular consequence: frameshift variant.
Genome position (GRCh38, 1-based): chr17:58,210,693, G deleted on the plus strand (C on the coding strand, the reverse complement: MKS1 is on the minus strand). VCF-style (leftmost placement, unchanged base first): chr17-58210692-AG-A. GRCh37 (hg19) VCF-style: chr17-56288053-AG-A.
Other names: c.381del, p.Tyr128fs (NM_001321268.2); c.990del, p.Tyr331fs (NM_001321269.2, NM_001330397.2, NM_001411113.1); short protein forms Y128fs, Y331fs.
Identifiers: ClinVar variation 3760293 (VCV003760293.2).